The following is an entry in ClinVar:

NM_007200.5(AKAP13):c.2534T>G (p.Val845Gly)

Gene: AKAP13 (A-kinase anchoring protein 13; plus strand). Cytogenetic location: 15q25.3.
Variant type: single nucleotide variant.
Coding change: c.2534T>G on transcript NM_007200.5 (MANE Select); coding-DNA position 2534, T replaced by G.
Protein change: p.Val845Gly; replaces valine 845 with glycine.
Molecular consequence: missense variant.
Genome position (GRCh38, 1-based): chr15:85,580,602, T>G. VCF-style: chr15-85580602-T-G. GRCh37 (hg19) VCF-style: chr15-86123833-T-G.
Other names: c.2534T>G, p.Val845Gly (NM_006738.6); short protein forms V845G.
Identifiers: ClinVar variation 2645655 (VCV002645655.24), dbSNP rs4075256, ClinGen allele CA7712632.
Genomic context (GRCh38, chr15:85,580,602, plus strand): 5'-GAGATGGCCCAGATGGAAATTCGAATGAGCCTGATACGCGGCCACTAGAAGACAGGGCAG[T>G]AGGCCTGTCCACATCCTCCACTGCTGCAGAGCTTCAGCACGGGATGGGGAATACCAGTCT-3'
Protein context (NP_009131.2, residues 835-855): PDTRPLEDRA[Val845Gly]GLSTSSTAAE

ClinVar aggregate classification (germline): Likely benign (1 of 4 stars; one submission).

Allele frequency attached by ClinVar (database versions not stated): 1000 Genomes Project 0.00060; 1000 Genomes Project 30x 0.00078.
gnomAD v4.1: 4,056 of 1,614,024 alleles (0.25%); highest among the groups gnomAD compares: Middle Eastern, 1.5%; 28 homozygotes.

Submission:

CeGaT Center for Human Genetics Tuebingen
Classification: Likely benign. Last evaluated: 2023-02-01. Review status: criteria provided, single submitter. Criteria: CeGaT Center For Human Genetics Tuebingen Variant Classification Criteria Version 2. Collection method: clinical testing. Allele origin: germline. Affected: yes. Observed: 2 variant alleles.
Comment: AKAP13: BP4, BS2